The following is an entry in ClinVar:

NM_001875.5(CPS1):c.471+14T>C

Gene: CPS1 (carbamoyl-phosphate synthase 1; plus strand). Cytogenetic location: 2q34.
Variant type: single nucleotide variant.
Coding change: c.471+14T>C on transcript NM_001875.5 (MANE Select); 14 bases into the intron after coding-DNA position 471, T replaced by C.
Molecular consequence: intron variant.
Genome position (GRCh38, 1-based): chr2:210,577,524, T>C. VCF-style: chr2-210577524-T-C. GRCh37 (hg19) VCF-style: chr2-211442248-T-C.
Other names: c.471+14T>C (LRG_336t1, NM_001369257.1, NM_001122633.3); c.504+14T>C (NM_001369256.1).
Identifiers: ClinVar variation 508928 (VCV000508928.4), dbSNP rs914408029, ClinGen allele CA64728651.

ClinVar aggregate classification (germline): Likely benign. Review status: criteria provided, multiple submitters, no conflicts (2 of 4 stars). 2 submissions from 2 submitters: Likely benign (2). Last evaluated 2024-03-14.

Conditions:
Congenital hyperammonemia, type I. Also called: Carbamoyl-phosphate synthase I deficiency; CPS I DEFICIENCY; Carbamoyl phosphate synthetase 1 deficiency; Hyperammonemia due to carbamoyl phosphate synthetase 1 deficiency; CPS 1 deficiency; Carbamyl phosphate synthetase (CPS) deficiency. Identifiers: Orphanet 147, MedGen C4082171, MONDO:0009376, OMIM 237300.

Allele frequency attached by ClinVar (database versions not stated): gnomAD exomes below 0.00001; TOPMed below 0.00001; gnomAD 0.00001.
gnomAD v4.1: 5 of 1,588,770 alleles (0.00031%); highest among the groups gnomAD compares: African/African-American, 0.0013%; no homozygotes.

Submissions (2):

Labcorp Genetics (formerly Invitae), Labcorp
Classification: Likely benign for Congenital hyperammonemia, type I. Last evaluated: 2024-03-14. Review status: criteria provided, single submitter. Criteria: Invitae Variant Classification Sherloc (09022015). Collection method: clinical testing. Allele origin: germline.

GeneDx
Classification: Likely benign. Last evaluated: 2017-04-18. Review status: criteria provided, single submitter. Criteria: GeneDx Variant Classification (06012015). Collection method: clinical testing. Allele origin: germline. Affected: yes.
Comment: This variant is considered likely benign or benign based on one or more of the following criteria: it is a conservative change, it occurs at a poorly conserved position in the protein, it is predicted to be benign by multiple in silico algorithms, and/or has population frequency not consistent with disease.